The following is an entry in ClinVar:

NM_213655.5(WNK1):c.3019C>T (p.Pro1007Ser)

Gene: WNK1 (WNK lysine deficient protein kinase 1; plus strand). Cytogenetic location: 12p13.33.
Variant type: single nucleotide variant.
Coding change: c.3019C>T on transcript NM_213655.5 (MANE Plus Clinical); coding-DNA position 3019, C replaced by T.
Protein change: p.Pro1007Ser; replaces proline 1007 with serine.
Molecular consequence: missense variant. On other transcripts: intron variant (2).
Genome position (GRCh38, 1-based): chr12:868,490, C>T. VCF-style: chr12-868490-C-T. GRCh37 (hg19) VCF-style: chr12-977656-C-T.
Other names: c.2764C>T, p.Pro922Ser (NM_001184985.2); c.2140-2775C>T (NM_018979.4, NM_014823.3); short protein forms P922S, P1007S.
Identifiers: ClinVar variation 845776 (VCV000845776.10), dbSNP rs571461398, ClinGen allele CA231499208.

ClinVar aggregate classification (germline): Uncertain significance (1 of 4 stars; one submission).

Conditions:
Pseudohypoaldosteronism type 2C (PHA2C). Also called: Pseudohypoaldosteronism Type IIC. Identifiers: Orphanet 757, Orphanet 88940, MedGen C1840391, MONDO:0013778, OMIM 614492.
Neuropathy, hereditary sensory and autonomic, type 2A (HSAN2A). Also called: MORVAN DISEASE; NEUROPATHY, CONGENITAL SENSORY; NEUROPATHY, HEREDITARY SENSORY RADICULAR, AUTOSOMAL RECESSIVE; NEUROPATHY, HEREDITARY SENSORY, TYPE IIA; NEUROPATHY, PROGRESSIVE SENSORY, OF CHILDREN; WNK1-Related HSAN2 (HSAN2A). Identifiers: Orphanet 970, MedGen C2752089, MONDO:0024309, OMIM 201300.

Allele frequency attached by ClinVar (database versions not stated): 1000 Genomes Project 30x 0.00016; 1000 Genomes Project 0.00020; gnomAD 0.00001; gnomAD exomes 0.00001; TOPMed 0.00001.
gnomAD v4.1: 10 of 1,613,938 alleles (0.00062%); highest among the groups gnomAD compares: Admixed American, 0.005%; no homozygotes.

Submission:

Labcorp Genetics (formerly Invitae), Labcorp
Classification: Uncertain significance for Neuropathy, hereditary sensory and autonomic, type 2A; Pseudohypoaldosteronism type 2C. Last evaluated: 2022-04-19. Review status: criteria provided, single submitter. Criteria: Invitae Variant Classification Sherloc (09022015). Collection method: clinical testing. Allele origin: germline.
Comment: In summary, the available evidence is currently insufficient to determine the role of this variant in disease. Therefore, it has been classified as a Variant of Uncertain Significance. Advanced modeling of protein sequence and biophysical properties (such as structural, functional, and spatial information, amino acid conservation, physicochemical variation, residue mobility, and thermodynamic stability) performed at Invitae indicates that this missense variant is not expected to disrupt WNK1 protein function. ClinVar contains an entry for this variant (Variation ID: 845776). This variant has not been reported in the literature in individuals affected with WNK1-related conditions. The frequency data for this variant in the population databases is considered unreliable, as metrics indicate poor data quality at this position in the gnomAD database. This sequence change replaces proline, which is neutral and non-polar, with serine, which is neutral and polar, at codon 1007 of the WNK1 protein (p.Pro1007Ser).